The following is an entry in ClinVar:

ClinVar aggregate classification (germline): Pathogenic/Likely pathogenic. Review status: criteria provided, multiple submitters, no conflicts (2 of 4 stars). 5 submissions from 5 submitters: Pathogenic (2); Likely pathogenic (2). 1 of the submissions does not count toward it. Last evaluated 2024-02-23.

Conditions:
Developmental and epileptic encephalopathy 121. Identifiers: MedGen C6065951, MONDO:0980966, OMIM 621475.
Epilepsy, familial temporal lobe, 1. Identifiers: Orphanet 101046, MedGen CN030884, MONDO:0700090, OMIM 600512.
LGI1-related disorder. Also called: LGI1-related condition.
Autosomal dominant epilepsy with auditory features. Identifiers: Orphanet 101046, MedGen C1838062, MONDO:0010898.

Allele frequency attached by ClinVar (database versions not stated): gnomAD 0.00001; TOPMed 0.00001.
gnomAD v4.1: 3 of 1,613,020 alleles (0.00019%); highest among the groups gnomAD compares: African/African-American, 0.0027%; no homozygotes.

Submissions (5):

Labcorp Genetics (formerly Invitae), Labcorp
Classification: Pathogenic for Autosomal dominant epilepsy with auditory features. Last evaluated: 2024-02-23. Review status: criteria provided, single submitter. Criteria: Invitae Variant Classification Sherloc (09022015). Collection method: clinical testing. Allele origin: germline.
Comment: This sequence change replaces arginine, which is basic and polar, with tryptophan, which is neutral and slightly polar, at codon 136 of the LGI1 protein (p.Arg136Trp). This variant is not present in population databases (gnomAD no frequency). This missense change has been observed in individual(s) with clinical features of lateral temporal lobe epilepsy (PMID: 17562837, 21504429). In at least one individual the variant was observed to be de novo. It has also been observed to segregate with disease in related individuals. ClinVar contains an entry for this variant (Variation ID: 5438). Advanced modeling of protein sequence and biophysical properties (such as structural, functional, and spatial information, amino acid conservation, physicochemical variation, residue mobility, and thermodynamic stability) has been performed at Invitae for this missense variant, however the output from this modeling did not meet the statistical confidence thresholds required to predict the impact of this variant on LGI1 protein function. Experimental studies have shown that this missense change affects LGI1 function (PMID: 25485908). For these reasons, this variant has been classified as Pathogenic.

PreventionGenetics, part of Exact Sciences
Classification: Likely pathogenic for LGI1-related condition. Last evaluated: 2022-12-09. Review status: criteria provided, single submitter. Criteria: ACMG Guidelines, 2015. Collection method: clinical testing. Allele origin: germline.
Comment: The LGI1 c.406C>T variant is predicted to result in the amino acid substitution p.Arg136Trp. This variant has been reported as arising de novo in individuals with epilepsy (Michelucci et al. 2007. PubMed ID: 17562837; Di Bonaventura et al. 2011. PubMed ID: 21504429; Table e1 in Bennett et al. 2017. PubMed ID: 28717674). This variant has not been reported in a large population database, indicating this variant is rare. This variant is interpreted as likely pathogenic.

GeneDx
Classification: Pathogenic. Last evaluated: 2015-01-12. Review status: criteria provided, single submitter. Criteria: GeneDx Variant Classification (06012015). Collection method: clinical testing. Allele origin: germline. Affected: yes.
Comment: p.Arg136Trp (CGG>TGG): c.406 C>T in exon 4 of the LGI1 gene (NM_005097.2). The R136W missense mutation in the LGI1 gene has been reported previously in an individual with autosomal dominant partial epilepsy with auditory features (ADPEAF) (Michelucci et al., 2007). It was also reported in another family with ADPEAF; however only three out of nine individuals with the mutation had seizures, suggesting reduced penetrance associated with this mutation (Di Bonaventura et al., 2011). Functional studies demonstrate that R136W damages normal protein secretion (Di Bonaventura et al., 2011; Nobile et al., 2009). The R136W mutation was not observed in approximately 6,500 individuals of European and African American ancestry in the NHLBI Exome Sequencing Project, indicating it is not a common benign variant in these populations. This is a non-conservative substitution at a position that is conserved through mammals. Therefore, based on currently available information, R136W is considered a disease-causing mutation, and its presence is consistent with a diagnosis of an LGI1-related disorder. This variant has been observed de novo without verified parentage. The variant is found in EPILEPSYV2-1 panel(s).

Juno Genomics, Hangzhou Juno Genomics, Inc
Classification: Likely pathogenic for Developmental and epileptic encephalopathy 121; Epilepsy, familial temporal lobe, 1. Review status: criteria provided, single submitter. Criteria: ACMG Guidelines, 2015. Collection method: clinical testing. Allele origin: germline. Affected: yes.
Comment: Absent from controls (or at extremely low frequency if recessive) in Genome Aggregation Database.;Missense variant in a gene that has a low rate of benign missense variation.;Well-established in vitro or in vivo functional studies supportive of a damaging effect on the gene or gene product.;The prevalence of the variant in affected individuals is significantly increased compared to the prevalence in controls.;Assumed de novo, but without confirmation of paternity and maternity.

OMIM
Classification: Pathogenic for EPILEPSY, FAMILIAL TEMPORAL LOBE, 1. Last evaluated: 2007-06-12. Review status: no assertion criteria provided. Collection method: literature only. Allele origin: germline. Not counted in ClinVar's aggregate classification.

Literature cited by the submitters: PubMed 17562837 (cited by Labcorp Genetics (formerly Invitae), Labcorp and OMIM); PubMed 21504429 (cited by Labcorp Genetics (formerly Invitae), Labcorp); PubMed 25485908 (cited by Labcorp Genetics (formerly Invitae), Labcorp).

NM_005097.4(LGI1):c.406C>T (p.Arg136Trp)

Gene: LGI1 (leucine rich glioma inactivated 1; plus strand). Cytogenetic location: 10q23.33.
Variant type: single nucleotide variant.
Coding change: c.406C>T on transcript NM_005097.4 (MANE Select); coding-DNA position 406, C replaced by T.
Protein change: p.Arg136Trp; replaces arginine 136 with tryptophan.
Molecular consequence: missense variant. On other transcripts: intron variant (1).
Genome position (GRCh38, 1-based): chr10:93,777,592, C>T. VCF-style: chr10-93777592-C-T. GRCh37 (hg19) VCF-style: chr10-95537349-C-T.
Other names: p.R136W:CGG>TGG; c.406C>T, p.Arg136Trp (NM_001308275.2); c.288-12507C>T (NM_001308276.2); c.406C>T (NM_005097.3); short protein forms R136W.
Identifiers: ClinVar variation 5438 (VCV000005438.14), dbSNP rs119488099, ClinGen allele CA253480.